The following is an entry in ClinVar:

ClinVar aggregate classification (germline): Uncertain significance (1 of 4 stars; one submission).

Conditions:
Cardiovascular phenotype. Identifiers: MedGen CN230736.

Submission:

Ambry Genetics
Classification: Uncertain significance for Cardiovascular phenotype. Last evaluated: 2024-09-11. Review status: criteria provided, single submitter. Criteria: Ambry Variant Classification Scheme 2023. Collection method: clinical testing. Allele origin: germline.
Comment: The p.C585Y variant (also known as c.1754G>A), located in coding exon 2 of the TNXB gene, results from a G to A substitution at nucleotide position 1754. The cysteine at codon 585 is replaced by tyrosine, an amino acid with highly dissimilar properties. This amino acid position is conserved. In addition, the in silico prediction for this alteration is inconclusive. Based on the available evidence, the clinical significance of this variant remains unclear.

NM_001365276.2(TNXB):c.1754G>A (p.Cys585Tyr)

Gene: TNXB (tenascin XB; minus strand). Cytogenetic location: 6p21.33.
Variant type: single nucleotide variant.
Coding change: c.1754G>A on transcript NM_001365276.2 (MANE Select); coding-DNA position 1754, G replaced by A.
Protein change: p.Cys585Tyr; replaces cysteine 585 with tyrosine.
Molecular consequence: missense variant.
Genome position (GRCh38, 1-based): chr6:32,096,099, C>T on the plus strand (G>A on the coding strand, the complement: TNXB is on the minus strand). VCF-style: chr6-32096099-C-T. GRCh37 (hg19) VCF-style: chr6-32063876-C-T.
Other names: c.1754G>A, p.Cys585Tyr (NM_001428335.1, NM_019105.8); short protein forms C585Y.
Identifiers: ClinVar variation 3459793 (VCV003459793.1).